The following is an entry in ClinVar:

NM_018646.6(TRPV6):c.1923= (p.Thr641=)

Gene: TRPV6 (transient receptor potential cation channel subfamily V member 6; minus strand). Cytogenetic location: 7q34.
Variant type: Variation.
Coding change: c.1923= on transcript NM_018646.6 (MANE Select); coding-DNA position 1923, no change from the reference sequence.
Protein change: p.Thr641=; no amino-acid change (threonine 641 retained).
Molecular consequence: no sequence alteration.
Genome position: GRCh38 VCF-style: chr7-142872464-T-T. GRCh37 (hg19) VCF-style: chr7-142570217-C-T.
Other names: c.1923G>A (NM_018646.5).
Identifiers: ClinVar variation 2798756 (VCV002798756.16).

ClinVar aggregate classification (germline): Benign/Likely benign. Review status: criteria provided, multiple submitters, no conflicts (2 of 4 stars). 4 submissions from 4 submitters: Benign (1); Likely benign (2). 1 of the submissions does not count toward it. Last evaluated 2026-09-01.

Conditions:
TRPV6-related disorder. Also called: TRPV6-related condition.

Submissions (4):

CeGaT Center for Human Genetics Tuebingen
Classification: Likely benign. Last evaluated: 2026-09-01. Review status: criteria provided, single submitter. Criteria: CeGaT Center For Human Genetics Tuebingen Variant Classification Criteria Version 2. Collection method: clinical testing. Allele origin: germline. Affected: yes. Observed: 14 variant alleles.
Comment: TRPV6: BP4, BP7

Labcorp Genetics (formerly Invitae), Labcorp
Classification: Benign. Last evaluated: 2026-02-03. Review status: criteria provided, single submitter. Criteria: Invitae Variant Classification Sherloc (09022015). Collection method: clinical testing. Allele origin: germline.

Blueprint Genetics
Classification: Likely benign. Last evaluated: 2024-11-27. Review status: criteria provided, single submitter. Criteria: ACMG Guidelines, 2015. Collection method: clinical testing. Allele origin: germline.

PreventionGenetics, part of Exact Sciences
Classification: Benign for TRPV6-related condition. Last evaluated: 2019-05-17. Review status: no assertion criteria provided. Collection method: clinical testing. Allele origin: germline. Not counted in ClinVar's aggregate classification.
Comment: This variant is classified as benign based on ACMG/AMP sequence variant interpretation guidelines (Richards et al. 2015 PMID: 25741868, with internal and published modifications).